The following is an entry in ClinVar:

NM_001018005.2(TPM1):c.639G>T (p.Lys213Asn)

Gene: TPM1 (tropomyosin 1; plus strand). Cytogenetic location: 15q22.2.
Variant type: single nucleotide variant.
Coding change: c.639G>T on transcript NM_001018005.2 (MANE Select); coding-DNA position 639, G replaced by T.
Protein change: p.Lys213Asn; replaces lysine 213 with asparagine.
Molecular consequence: missense variant. On other transcripts: non-coding transcript variant (16), intron variant (21).
Genome position (GRCh38, 1-based): chr15:63,061,788, G>T. VCF-style: chr15-63061788-G-T. GRCh37 (hg19) VCF-style: chr15-63353987-G-T.
Other names: c.639G>T, p.Lys213Asn (NM_001018004.2, NM_001018007.2, NM_001301244.2 and 7 more transcripts); c.531G>T, p.Lys177Asn (NM_001018008.2, NM_001301289.2, NM_001330346.2 and 3 more transcripts); c.765G>T, p.Lys255Asn (NM_001365778.1, NM_001407324.1); c.640-427G>T (NM_001407336.1, NM_001018020.2, NM_001407326.1 and 10 more transcripts); c.766-427G>T (NM_001407323.1, NM_001407322.1); c.532-427G>T (NM_001330351.2, NM_001330344.2, NM_001365781.2 and 3 more transcripts); short protein forms K177N, K213N, K255N.
Identifiers: ClinVar variation 3894264 (VCV003894264.1).

ClinVar aggregate classification (germline): Uncertain significance (1 of 4 stars; one submission).

Conditions:
Cardiomyopathy (CMYO). Also called: Cardiomyopathies. Identifiers: Orphanet 167848, MedGen C0878544, MONDO:0004994, HP:0001638. Inheritance: Various modes of inheritance.

gnomAD v4.1: 10 of 1,614,088 alleles (0.00062%); highest among the groups gnomAD compares: Non-Finnish European, 0.00085%; no homozygotes.

Submission:

Color Diagnostics, LLC DBA Color Health
Classification: Uncertain significance for Cardiomyopathy. Last evaluated: 2025-03-17. Review status: criteria provided, single submitter. Criteria: ACMG Guidelines, 2015. Collection method: clinical testing. Allele origin: germline.
Comment: This missense variant replaces lysine with asparagine at codon 213 of the TPM1 protein. Computational prediction is inconclusive regarding the impact of this variant on protein structure and function (internally defined REVEL score threshold 0.5 < inconclusive < 0.7, PMID: 27666373). To our knowledge, functional studies have not been reported for this variant. This variant has not been reported in individuals affected with TPM1-related disorders in the literature. This variant has not been identified in the general population by the Genome Aggregation Database (gnomAD). The available evidence is insufficient to determine the role of this variant in disease conclusively. Therefore, this variant is classified as a Variant of Uncertain Significance.